The following is an entry in ClinVar:

ClinVar aggregate classification (germline): Uncertain significance. Review status: criteria provided, multiple submitters, no conflicts (2 of 4 stars). 2 submissions from 2 submitters: Uncertain significance (2). Last evaluated 2023-08-17.

Conditions:
Seizures, benign familial infantile, 3 (BFIS3). Also called: CONVULSIONS, BENIGN FAMILIAL INFANTILE, 3; Familial neonatal seizures. Identifiers: Orphanet 140927, Orphanet 306, MedGen C1843140, MONDO:0011904, OMIM 607745.
Developmental and epileptic encephalopathy, 11 (DEE11). Also called: Early infantile epileptic encephalopathy 11. Identifiers: Orphanet 1934, MedGen C3150987, MONDO:0013388, OMIM 613721.

Allele frequency attached by ClinVar (database versions not stated): gnomAD exomes below 0.00001.
gnomAD v4.1: 1 of 1,614,098 alleles (0.000062%); highest among the groups gnomAD compares: Non-Finnish European, 0.000085%; no homozygotes.

Submissions (2):

Labcorp Genetics (formerly Invitae), Labcorp
Classification: Uncertain significance for Seizures, benign familial infantile, 3; Developmental and epileptic encephalopathy, 11. Last evaluated: 2023-08-17. Review status: criteria provided, single submitter. Criteria: Invitae Variant Classification Sherloc (09022015). Collection method: clinical testing. Allele origin: germline.
Comment: This variant is not present in population databases (gnomAD no frequency). This sequence change replaces valine, which is neutral and non-polar, with methionine, which is neutral and non-polar, at codon 74 of the SCN2A protein (p.Val74Met). This variant has not been reported in the literature in individuals affected with SCN2A-related conditions. ClinVar contains an entry for this variant (Variation ID: 207036). Advanced modeling of protein sequence and biophysical properties (such as structural, functional, and spatial information, amino acid conservation, physicochemical variation, residue mobility, and thermodynamic stability) performed at Invitae indicates that this missense variant is expected to disrupt SCN2A protein function. In summary, the available evidence is currently insufficient to determine the role of this variant in disease. Therefore, it has been classified as a Variant of Uncertain Significance.

Geisinger Autism and Developmental Medicine Institute, Geisinger Health System
Classification: Uncertain significance for Developmental and epileptic encephalopathy, 11. Last evaluated: 2018-03-09. Review status: criteria provided, single submitter. Criteria: ACMG Guidelines, 2015. Collection method: provider interpretation, clinical testing. Allele origin: paternal. Observed: 1 variant allele.
Comment: This variant is absent from the gnomAD database and computational prediction models are inconsistent. This variant has not been reported previously in the literature, to our knowledge. Clinical correlation with SCN2A-related disorders was thought to be poor. Additionally, whole exome sequencing also identified an additional variant of uncertain significance.

NM_001040142.2(SCN2A):c.220G>A (p.Val74Met)

Gene: SCN2A (sodium voltage-gated channel alpha subunit 2; plus strand). Cytogenetic location: 2q24.3.
Variant type: single nucleotide variant.
Coding change: c.220G>A on transcript NM_001040142.2 (MANE Select); coding-DNA position 220, G replaced by A.
Protein change: p.Val74Met; replaces valine 74 with methionine.
Molecular consequence: missense variant.
Genome position (GRCh38, 1-based): chr2:165,296,043, G>A. VCF-style: chr2-165296043-G-A. GRCh37 (hg19) VCF-style: chr2-166152553-G-A.
Other names: c.220G>A, p.Val74Met (NM_001040143.2, NM_001371246.1, NM_001371247.1 and 1 more transcripts); short protein forms V74M.
Identifiers: ClinVar variation 207036 (VCV000207036.8), dbSNP rs1553564231, ClinGen allele CA318069.